The following is an entry in ClinVar:

ClinVar aggregate classification (germline): Uncertain significance (1 of 4 stars; one submission).

Conditions:
Familial cancer of breast. Also called: BREAST CANCER, FAMILIAL; Hereditary breast cancer; hereditary breast carcinoma. Identifiers: Orphanet 227535, MedGen C0346153, MONDO:0016419, OMIM 114480. Disease mechanism: loss of function.

Submission:

Labcorp Genetics (formerly Invitae), Labcorp
Classification: Uncertain significance for Familial cancer of breast. Last evaluated: 2017-02-14. Review status: criteria provided, single submitter. Criteria: Invitae Variant Classification Sherloc (09022015). Collection method: clinical testing. Allele origin: germline.
Comment: In summary, this is a novel intronic change with uncertain impact on splicing. It has been classified as a Variant of Uncertain Significance. Nucleotide substitutions within the consensus splice site are relatively common causes of aberrant splicing (PMID: 17576681, 9536098). Algorithms developed to predict the effect of nucleotide changes on RNA splicing suggest that this variant may alter RNA splicing, but this prediction has not been confirmed by published transcriptional studies. This variant is not present in population databases (ExAC no frequency) and has not been reported in the literature in individuals with a CHEK2-related disease. This sequence change falls in intron 6 of the CHEK2 gene. It does not directly change the encoded amino acid sequence of the CHEK2 protein, but it affects a nucleotide within the consensus splice site of the intron.

Literature cited by the submitters: PubMed 17576681; PubMed 9536098.

NM_007194.4(CHEK2):c.792+4A>G

Gene: CHEK2 (checkpoint kinase 2; minus strand). Cytogenetic location: 22q12.1.
Variant type: single nucleotide variant.
Coding change: c.792+4A>G on transcript NM_007194.4 (MANE Select); 4 bases into the intron after coding-DNA position 792, A replaced by G.
Molecular consequence: intron variant.
Genome position (GRCh38, 1-based): chr22:28,711,905, T>C on the plus strand (A>G on the coding strand, the complement: CHEK2 is on the minus strand). VCF-style: chr22-28711905-T-C. GRCh37 (hg19) VCF-style: chr22-29107893-T-C.
Other names: c.129+4A>G (NM_001437942.1, NM_001257387.3); c.591+4A>G (NM_001349956.3); c.792+4A>G (NM_145862.3); c.885+4A>G (NM_001438295.1, NM_001438293.1); c.921+4A>G (NM_001438294.1, NM_001005735.3).
Identifiers: ClinVar variation 460855 (VCV000460855.7), dbSNP rs1555921009, ClinGen allele CA658656805.
Genomic context (GRCh38, chr22:28,711,905, plus strand): 5'-GATTATTTTGGGAAGTTATGAAGACGTGTTAATAAAAGGTGATCAGCCTTTTATTGGTAC[T>C]TACTGCCTCTCTTGCTGAACCAATAGCAAACTTCCTTTTGCTGATGATCTTTATGGCTAC-3'